The following is an entry in ClinVar:

NM_001104631.2(PDE4D):c.456-140878dup

Gene: PDE4D (phosphodiesterase 4D; minus strand). Cytogenetic location: 5q11.2.
Variant type: Duplication.
Coding change: c.456-140878dup on transcript NM_001104631.2 (MANE Select); 140878 bases into the intron before coding-DNA position 456, one base duplicated (A; older notation c.456-140878dupA).
Molecular consequence: intron variant. On other transcripts: frameshift variant (1), initiator codon variant (1).
Genome position (GRCh38, 1-based): chr5:59,356,846, T duplicated on the plus strand (A on the coding strand, the reverse complement: PDE4D is on the minus strand); the first of 5 consecutive T bases (chr5:59,356,846-59,356,850); duplicating any one gives the same sequence. VCF-style (leftmost placement, unchanged base first): chr5-59356845-A-AT. GRCh37 (hg19) VCF-style: chr5-58652671-A-AT.
Other names: c.1dup, p.Met1fs (NM_001197219.2); c.273-140878dup (NM_001364599.1, NM_001165899.2, NM_001364600.2); c.-239-140878dup (NM_001349243.2, NM_001364604.1); c.243-140878dup (NM_001349241.2); c.264-140878dup (NM_001197218.2, NM_001364602.2, NM_001364601.1); c.-495-140878dup (NM_001364603.1); c.48-140878dup (NM_006203.5); c.125+73448dup (NM_001349242.2); short protein forms M1fs.
Identifiers: ClinVar variation 4281280 (VCV004281280.7).

ClinVar aggregate classification (germline): Uncertain significance (1 of 4 stars; one submission).

Submission:

CeGaT Center for Human Genetics Tuebingen
Classification: Uncertain significance. Last evaluated: 2025-09-01. Review status: criteria provided, single submitter. Criteria: CeGaT Center For Human Genetics Tuebingen Variant Classification Criteria Version 2. Collection method: clinical testing. Allele origin: germline. Affected: yes. Observed: 1 variant allele.
Comment: PDE4D: PM2